The following is an entry in ClinVar:

ClinVar aggregate classification (germline): Uncertain significance. Review status: criteria provided, multiple submitters, no conflicts (2 of 4 stars). 3 submissions from 3 submitters: Uncertain significance (3). Last evaluated 2026-09-07.

Conditions:
Ehlers-Danlos syndrome, type 4 (EDSVASC). Also called: Ehlers-Danlos syndrome vascular type; Ehlers Danlos syndrome, ecchymotic type; Ehlers Danlos syndrome, arterial type; Ehlers Danlos syndrome, Sack-Barabas type; Ehlers-Danlos Syndrome Type IV. Identifiers: Orphanet 286, MedGen C0268338, MONDO:0017314, OMIM 130050.
Familial thoracic aortic aneurysm and aortic dissection (TAAD). Also called: Thoracic aortic aneurysms and dissections. Identifiers: Orphanet 91387, MedGen C4707243, MONDO:0019625.

Submissions (3):

GeneDx
Classification: Uncertain significance. Last evaluated: 2026-09-07. Review status: criteria provided, single submitter. Criteria: GeneDx Variant Classification Process June 2021. Collection method: clinical testing. Allele origin: germline.
Comment: Has not been previously published as pathogenic or benign to our knowledge; Not observed at significant frequency in large population cohorts (gnomAD); In silico analysis suggests that this missense variant does not alter protein structure/function; In silico analysis suggests this variant may impact gene splicing. In the absence of RNA/functional studies, the actual effect of this sequence change is unknown.; Occurs in the triple helical domain at the Y position in the canonical Gly-X-Y repeat; although this variant may have an effect on normal protein folding and function, missense substitution at the Y position is not a common mechanism of disease (HGMD)

Color Diagnostics, LLC DBA Color Health
Classification: Uncertain significance for Familial thoracic aortic aneurysm and aortic dissection. Last evaluated: 2024-03-07. Review status: criteria provided, single submitter. Criteria: ACMG Guidelines, 2015. Collection method: clinical testing. Allele origin: germline.
Comment: This missense variant replaces valine with isoleucine at codon 353 of the COL3A1 protein. Computational prediction suggests that this variant may not impact protein structure and function (internally defined REVEL score threshold <= 0.5, PMID: 27666373). To our knowledge, functional studies have not been reported for this variant. This variant has not been reported in individuals affected with COL3A1-related disorders in the literature. This variant has not been identified in the general population by the Genome Aggregation Database (gnomAD). The available evidence is insufficient to determine the role of this variant in disease conclusively. Therefore, this variant is classified as a Variant of Uncertain Significance.

All of Us Research Program, National Institutes of Health
Classification: Uncertain significance for Ehlers-Danlos syndrome, type 4. Last evaluated: 2024-01-11. Review status: criteria provided, single submitter. Criteria: ACMG Guidelines, 2015. Collection method: clinical testing. Allele origin: germline. Inheritance: Autosomal dominant inheritance. Observed: 3 variant alleles, 3 heterozygotes.
Comment: This missense variant replaces valine with isoleucine at codon 353 of the COL3A1 protein. Computational prediction suggests that this variant may not impact protein structure and function (internally defined REVEL score threshold <= 0.5, PMID: 27666373). To our knowledge, functional studies have not been reported for this variant. This variant has not been reported in individuals affected with cardiovascular disorders in the literature. This variant has not been identified in the general population by the Genome Aggregation Database (gnomAD). The available evidence is insufficient to determine the role of this variant in disease conclusively. Therefore, this variant is classified as a Variant of Uncertain Significance.

This study involves interpretation of variants in research participants for the purpose of population health screening. Participant phenotype was not available at the time of variant classification. Additional details can be found in publication PMID: 35346344, PMCID: PMC8962531

NM_000090.4(COL3A1):c.1057G>A (p.Val353Ile)

Gene: COL3A1 (collagen type III alpha 1 chain; plus strand). Cytogenetic location: 2q32.2.
Variant type: single nucleotide variant.
Coding change: c.1057G>A on transcript NM_000090.4 (MANE Select); coding-DNA position 1057, G replaced by A.
Protein change: p.Val353Ile; replaces valine 353 with isoleucine.
Molecular consequence: missense variant.
Genome position (GRCh38, 1-based): chr2:188,993,367, G>A. VCF-style: chr2-188993367-G-A. GRCh37 (hg19) VCF-style: chr2-189858093-G-A.
Other names: short protein forms V353I.
Identifiers: ClinVar variation 1188314 (VCV001188314.10), dbSNP rs1688228735, ClinGen allele CA349850773.